The following is an entry in ClinVar:

ClinVar aggregate classification (germline): Likely benign. Review status: criteria provided, multiple submitters, no conflicts (2 of 4 stars). 2 submissions from 2 submitters: Likely benign (2). Last evaluated 2025-12-28.

Allele frequency attached by ClinVar (database versions not stated): ExAC below 0.00001; gnomAD exomes below 0.00001 and 0.00001; gnomAD 0.00002; TOPMed 0.00002; ESP Exome Variant Server 0.00008.

Submissions (2):

Labcorp Genetics (formerly Invitae), Labcorp
Classification: Likely benign. Last evaluated: 2025-12-28. Review status: criteria provided, single submitter. Criteria: Invitae Variant Classification Sherloc (09022015). Collection method: clinical testing. Allele origin: germline.

GeneDx
Classification: Likely benign. Last evaluated: 2016-10-10. Review status: criteria provided, single submitter. Criteria: GeneDx Variant Classification (06012015). Collection method: clinical testing. Allele origin: germline. Affected: yes.
Comment: This variant is considered likely benign or benign based on one or more of the following criteria: it is a conservative change, it occurs at a poorly conserved position in the protein, it is predicted to be benign by multiple in silico algorithms, and/or has population frequency not consistent with disease.

NM_000260.4(MYO7A):c.5945-4G>A

Gene: MYO7A (myosin VIIA; plus strand). Cytogenetic location: 11q13.5.
Variant type: single nucleotide variant.
Coding change: c.5945-4G>A on transcript NM_000260.4 (MANE Select); 4 bases into the intron before coding-DNA position 5945, G replaced by A.
Molecular consequence: intron variant.
Genome position (GRCh38, 1-based): chr11:77,208,693, G>A. VCF-style: chr11-77208693-G-A. GRCh37 (hg19) VCF-style: chr11-76919738-G-A.
Other names: c.5798-4G>A (NM_001369365.1); c.5831-4G>A (NM_001127180.2).
Identifiers: ClinVar variation 381314 (VCV000381314.8), dbSNP rs372510327, ClinGen allele CA6198889.